The following is an entry in ClinVar:

NM_000416.3(IFNGR1):c.601C>A (p.Gln201Lys)

Gene: IFNGR1 (interferon gamma receptor 1; minus strand). Cytogenetic location: 6q23.3.
Variant type: single nucleotide variant.
Coding change: c.601C>A on transcript NM_000416.3 (MANE Select); coding-DNA position 601, C replaced by A.
Protein change: p.Gln201Lys; replaces glutamine 201 with lysine.
Molecular consequence: missense variant.
Genome position (GRCh38, 1-based): chr6:137,203,631, G>T on the plus strand (C>A on the coding strand, the complement: IFNGR1 is on the minus strand). VCF-style: chr6-137203631-G-T. GRCh37 (hg19) VCF-style: chr6-137524768-G-T.
Other names: c.571C>A, p.Gln191Lys (NM_001363526.1); c.478C>A, p.Gln160Lys (NM_001363527.1); short protein forms Q201K, Q160K, Q191K.
Identifiers: ClinVar variation 4766271 (VCV004766271.1).

ClinVar aggregate classification (germline): Uncertain significance (1 of 4 stars; one submission).

Conditions:
Disseminated atypical mycobacterial infection. Identifiers: MedGen C0694566.

Submission:

Labcorp Genetics (formerly Invitae), Labcorp
Classification: Uncertain significance for Disseminated atypical mycobacterial infection. Last evaluated: 2025-08-12. Review status: criteria provided, single submitter. Criteria: Invitae Variant Classification Sherloc (09022015). Collection method: clinical testing. Allele origin: germline.
Comment: This sequence change replaces glutamine, which is neutral and polar, with lysine, which is basic and polar, at codon 201 of the IFNGR1 protein (p.Gln201Lys). This variant is not present in population databases (gnomAD no frequency). This variant has not been reported in the literature in individuals affected with IFNGR1-related conditions. Invitae Evidence Modeling of protein sequence and biophysical properties (such as structural, functional, and spatial information, amino acid conservation, physicochemical variation, residue mobility, and thermodynamic stability) indicates that this missense variant is not expected to disrupt IFNGR1 protein function with a negative predictive value of 80%. In summary, the available evidence is currently insufficient to determine the role of this variant in disease. Therefore, it has been classified as a Variant of Uncertain Significance.